The following is an entry in ClinVar:

ClinVar aggregate classification (germline): Pathogenic (1 of 4 stars; one submission).

Conditions:
Ehlers-Danlos syndrome, dermatosparaxis type. Also called: EDS VIIC; Dermatosparaxis; Ehlers-Danlos syndrome, type VII, autosomal recessive. Identifiers: Orphanet 1901, MedGen C2700425, MONDO:0009161, OMIM 225410.

Submission:

Myriad Genetics, Inc.
Classification: Pathogenic for Ehlers-Danlos syndrome, dermatosparaxis type. Last evaluated: 2025-10-04. Review status: criteria provided, single submitter. Criteria: Myriad Autosomal Dominant, Autosomal Recessive and X-Linked Classification Criteria (2023). Collection method: clinical testing. Allele origin: unknown.
Comment: NM_014244.4(ADAMTS2):c.2496C>G(Y832*) is expected to be pathogenic in the context of Ehlers-Danlos syndrome, ADAMTS2-related. This variant is predicted to lead to an abnormal or absent protein product due to the creation of a premature termination codon in ADAMTS2, a gene where loss-of-function variants are known to be pathogenic. Please note: this variant was assessed in the context of healthy population screening.

NM_014244.5(ADAMTS2):c.2496C>G (p.Tyr832Ter)

Gene: ADAMTS2 (ADAM metallopeptidase with thrombospondin type 1 motif 2; minus strand). Cytogenetic location: 5q35.3.
Variant type: single nucleotide variant.
Coding change: c.2496C>G on transcript NM_014244.5 (MANE Select); coding-DNA position 2496, C replaced by G.
Protein change: p.Tyr832Ter; replaces tyrosine 832 with a stop codon.
Molecular consequence: nonsense.
Genome position (GRCh38, 1-based): chr5:179,128,080, G>C on the plus strand (C>G on the coding strand, the complement: ADAMTS2 is on the minus strand). VCF-style: chr5-179128080-G-C. GRCh37 (hg19) VCF-style: chr5-178555081-G-C.
Other names: short protein forms Y832*.
Identifiers: ClinVar variation 5015052 (VCV005015052.1).